The following is an entry in ClinVar:

ClinVar aggregate classification (germline): Uncertain significance. Review status: criteria provided, multiple submitters, no conflicts (2 of 4 stars). 2 submissions from 2 submitters: Uncertain significance (2). Last evaluated 2025-04-14.

Allele frequency attached by ClinVar (database versions not stated): gnomAD exomes 0.00002; ESP Exome Variant Server 0.00008; gnomAD 0.00002; ExAC 0.00003; TOPMed 0.00005.
gnomAD v4.1: 39 of 1,613,796 alleles (0.0024%); highest among the groups gnomAD compares: Non-Finnish European, 0.0029%; no homozygotes.

Submissions (2):

Labcorp Genetics (formerly Invitae), Labcorp
Classification: Uncertain significance. Last evaluated: 2025-04-14. Review status: criteria provided, single submitter. Criteria: Invitae Variant Classification Sherloc (09022015). Collection method: clinical testing. Allele origin: germline.
Comment: This sequence change replaces proline, which is neutral and non-polar, with leucine, which is neutral and non-polar, at codon 791 of the AFG3L2 protein (p.Pro791Leu). This variant is present in population databases (rs372136184, gnomAD 0.003%). This variant has not been reported in the literature in individuals affected with AFG3L2-related conditions. ClinVar contains an entry for this variant (Variation ID: 2627222). Invitae Evidence Modeling of protein sequence and biophysical properties (such as structural, functional, and spatial information, amino acid conservation, physicochemical variation, residue mobility, and thermodynamic stability) indicates that this missense variant is not expected to disrupt AFG3L2 protein function with a negative predictive value of 95%. In summary, the available evidence is currently insufficient to determine the role of this variant in disease. Therefore, it has been classified as a Variant of Uncertain Significance.

Women's Health and Genetics/Laboratory Corporation of America, LabCorp
Classification: Uncertain significance. Last evaluated: 2023-09-13. Review status: criteria provided, single submitter. Criteria: LabCorp Variant Classification Summary - May 2015. Collection method: clinical testing. Allele origin: germline.
Comment: Variant summary: AFG3L2 c.2372C>T (p.Pro791Leu) results in a non-conservative amino acid change in the encoded protein sequence. Four of five in-silico tools predict a benign effect of the variant on protein function. The variant allele was found at a frequency of 1.6e-05 in 251464 control chromosomes. The available data on variant occurrences in the general population are insufficient to allow any conclusion about variant significance. To our knowledge, no occurrence of c.2372C>T in individuals affected with Spinocerebellar Ataxia Type 28 and no experimental evidence demonstrating its impact on protein function have been reported. No submitters have cited clinical-significance assessments for this variant to ClinVar after 2014. Based on the evidence outlined above, the variant was classified as uncertain significance.

NM_006796.3(AFG3L2):c.2372C>T (p.Pro791Leu)

Genes: AFG3L2 (AFG3 like matrix AAA peptidase subunit 2; minus strand), TUBB6 (tubulin beta 6 class V; plus strand). Cytogenetic location: 18p11.21.
Variant type: single nucleotide variant.
Coding change: c.2372C>T on transcript NM_006796.3 (MANE Select); coding-DNA position 2372, C replaced by T.
Protein change: p.Pro791Leu; replaces proline 791 with leucine.
Molecular consequence: missense variant. On other transcripts: 3 prime UTR variant (1).
Genome position (GRCh38, 1-based): chr18:12,329,587, G>A on the plus strand (C>T on the coding strand, the complement: AFG3L2 is on the minus strand). VCF-style: chr18-12329587-G-A. GRCh37 (hg19) VCF-style: chr18-12329586-G-A.
Other names: c.*404G>A (NM_001303525.2); short protein forms P791L.
Identifiers: ClinVar variation 2627222 (VCV002627222.1), dbSNP rs372136184, ClinGen allele CA8896216.
Genomic context (GRCh38, chr18:12,329,587, plus strand): 5'-CCACAGTGGACAGACTGAGATGGCCTCCCTCTGGGCCTCTAGTTGGCAACTTTCTCACCC[G>A]GGGGCTCCTCTTTCTCCTTTTCCCGCTCCTTGTTCCAGTCCTTAAGGCCTTCTGGAAGTG-3'
Protein context (NP_006787.2, residues 781-797): KEREKEKEEP[Pro791Leu]GEKVAN